The following is an entry in ClinVar:

ClinVar aggregate classification (germline): Uncertain significance. Review status: criteria provided, multiple submitters, no conflicts (2 of 4 stars). 3 submissions from 3 submitters: Uncertain significance (3). Last evaluated 2025-02-03.

Conditions:
Intellectual developmental disorder, autosomal dominant 6, with or without seizures. Also called: Intellectual disability, autosomal dominant 6; GRIN2B-related developmental delay, intellectual disability and autism spectrum disorder. Identifiers: Orphanet 589547, MedGen C3151411, MONDO:0013509, OMIM 613970.
Developmental and epileptic encephalopathy, 27 (DEE27). Also called: GRIN2B-Related Neurodevelopmental Disorder; Epileptic encephalopathy, early infantile, 27. Identifiers: Orphanet 3451, MedGen C4015316, MONDO:0014505, OMIM 616139.
Inborn genetic diseases. Identifiers: MedGen C0950123, MeSH D030342.

Allele frequency attached by ClinVar (database versions not stated): TOPMed below 0.00001.
gnomAD v4.1: 1 of 1,614,164 alleles (0.000062%); highest among the groups gnomAD compares: African/African-American, 0.0013%; no homozygotes.

Submissions (3):

Labcorp Genetics (formerly Invitae), Labcorp
Classification: Uncertain significance for Developmental and epileptic encephalopathy, 27; Intellectual developmental disorder, autosomal dominant 6, with or without seizures. Last evaluated: 2025-02-03. Review status: criteria provided, single submitter. Criteria: Invitae Variant Classification Sherloc (09022015). Collection method: clinical testing. Allele origin: germline.
Comment: This sequence change replaces threonine, which is neutral and polar, with lysine, which is basic and polar, at codon 1139 of the GRIN2B protein (p.Thr1139Lys). This variant is not present in population databases (gnomAD no frequency). This missense change has been observed in individual(s) with clinical features of GRIN2B-related conditions (internal data). ClinVar contains an entry for this variant (Variation ID: 855293). Invitae Evidence Modeling of protein sequence and biophysical properties (such as structural, functional, and spatial information, amino acid conservation, physicochemical variation, residue mobility, and thermodynamic stability) indicates that this missense variant is not expected to disrupt GRIN2B protein function with a negative predictive value of 95%. In summary, the available evidence is currently insufficient to determine the role of this variant in disease. Therefore, it has been classified as a Variant of Uncertain Significance.

GeneDx
Classification: Uncertain significance. Last evaluated: 2024-07-13. Review status: criteria provided, single submitter. Criteria: GeneDx Variant Classification Process June 2021. Collection method: clinical testing. Allele origin: germline. Affected: yes.
Comment: Not observed at significant frequency in large population cohorts (gnomAD); Has not been previously published as pathogenic or benign to our knowledge; In silico analysis does not support a benign or deleterious effect of this variant on protein structure/ function

Ambry Genetics
Classification: Uncertain significance for Inborn genetic diseases. Last evaluated: 2017-07-21. Review status: criteria provided, single submitter. Criteria: Ambry Variant Classification Scheme 2023. Collection method: clinical testing. Allele origin: germline.
Comment: The p.T1139K variant (also known as c.3416C>A), located in coding exon 12 of the GRIN2B gene, results from a C to A substitution at nucleotide position 3416. The threonine at codon 1139 is replaced by lysine, an amino acid with similar properties. This amino acid position is not well conserved in available vertebrate species. In addition, this alteration is predicted to be tolerated by in silico analysis. Since supporting evidence is limited at this time, the clinical significance of this alteration remains unclear.

NM_000834.5(GRIN2B):c.3416C>A (p.Thr1139Lys)

Gene: GRIN2B (glutamate ionotropic receptor NMDA type subunit 2B; minus strand). Cytogenetic location: 12p13.1.
Variant type: single nucleotide variant.
Coding change: c.3416C>A on transcript NM_000834.5 (MANE Select); coding-DNA position 3416, C replaced by A.
Protein change: p.Thr1139Lys; replaces threonine 1139 with lysine.
Molecular consequence: missense variant.
Genome position (GRCh38, 1-based): chr12:13,563,822, G>T on the plus strand (C>A on the coding strand, the complement: GRIN2B is on the minus strand). VCF-style: chr12-13563822-G-T. GRCh37 (hg19) VCF-style: chr12-13716756-G-T.
Other names: short protein forms T1139K.
Identifiers: ClinVar variation 855293 (VCV000855293.10), dbSNP rs1948591192, ClinGen allele CA383989485.